The following is an entry in ClinVar:

NM_007215.4(POLG2):c.1188_1191del (p.Gln397fs)

Genes: MILR1 (mast cell immunoglobulin like receptor 1; plus strand), POLG2 (DNA polymerase gamma 2, accessory subunit; minus strand). Cytogenetic location: 17q23.3.
Variant type: Deletion.
Coding change: c.1188_1191del on transcript NM_007215.4 (MANE Select); coding-DNA positions 1188 to 1191, 4 bases deleted (ACAG; older notation c.1188_1191delACAG).
Protein change: p.Gln397fs; shifts the reading frame from glutamine 397.
Molecular consequence: frameshift variant.
Genome position (GRCh38, 1-based): chr17:64,482,919-64,482,922, CTGT deleted on the plus strand (ACAG on the coding strand, the reverse complement: POLG2 is on the minus strand); deleting any 4 consecutive bases within chr17:64,482,919-64,482,924 gives the same sequence; the c. name uses the placement nearest the transcript's 3' end. VCF-style (leftmost placement, unchanged base first): chr17-64482918-CCTGT-C. GRCh37 (hg19) VCF-style: chr17-62479035-CCTGT-C.
Other names: short protein forms Q397fs.
Identifiers: ClinVar variation 1350223 (VCV001350223.6), dbSNP rs2144141886, ClinGen allele CA2573154607.

ClinVar aggregate classification (germline): Pathogenic (1 of 4 stars; one submission).

Submission:

Labcorp Genetics (formerly Invitae), Labcorp
Classification: Pathogenic. Last evaluated: 2024-09-09. Review status: criteria provided, single submitter. Criteria: Invitae Variant Classification Sherloc (09022015). Collection method: clinical testing. Allele origin: germline.
Comment: This sequence change creates a premature translational stop signal (p.Gln397Phefs*10) in the POLG2 gene. It is expected to result in an absent or disrupted protein product. Loss-of-function variants in POLG2 are known to be pathogenic (PMID: 28078310, 29625556). This variant is not present in population databases (gnomAD no frequency). This variant has not been reported in the literature in individuals affected with POLG2-related conditions. ClinVar contains an entry for this variant (Variation ID: 1350223). Algorithms developed to predict the effect of sequence changes on RNA splicing suggest that this variant may disrupt the consensus splice site. For these reasons, this variant has been classified as Pathogenic.

Literature cited by the submitters: PubMed 28078310; PubMed 29625556.